The following is an entry in ClinVar:

NM_000091.5(COL4A3):c.3655G>T (p.Gly1219Cys)

Genes: COL4A3 (collagen type IV alpha 3 chain; plus strand), MFF-DT (MFF divergent transcript; minus strand). Cytogenetic location: 2q36.3.
Variant type: single nucleotide variant.
Coding change: c.3655G>T on transcript NM_000091.5 (MANE Select); coding-DNA position 3655, G replaced by T.
Protein change: p.Gly1219Cys; replaces glycine 1219 with cysteine.
Molecular consequence: missense variant.
Genome position (GRCh38, 1-based): chr2:227,297,763, G>T. VCF-style: chr2-227297763-G-T. GRCh37 (hg19) VCF-style: chr2-228162479-G-T.
Other names: short protein forms G1219C.
Identifiers: ClinVar variation 3377376 (VCV003377376.1).

ClinVar aggregate classification (germline): Pathogenic (1 of 4 stars; one submission).

Conditions:
Alport syndrome. Also called: Hemorrhagic familial nephritis; Hemorrhagic hereditary nephritis; Congenital hereditary hematuria. Identifiers: Orphanet 63, MedGen C1567741, MONDO:0018965.

Submission:

Victorian Clinical Genetics Services, Murdoch Childrens Research Institute
Classification: Pathogenic for Alport syndrome. Last evaluated: 2020-05-25. Review status: criteria provided, single submitter. Criteria: ACMG Guidelines, 2015. Collection method: clinical testing. Allele origin: germline. Affected: yes.
Comment: Based on the classification scheme VCGS_Germline_v1.1.1, this variant is classified as Pathogenic. Following criteria are met: 0102 - Loss-of-function is a known mechanism of disease for this gene. (N) 0104 - Dominant Negative is a mechanism of disease for this gene. (N) 0108 - This gene is known to be associated with both recessive and dominant disease. (N) 0200 - Variant is predicted to result in a missense amino acid change from glycine to cysteine (exon 42). (N) 0251 - Variant is heterozygous. (N) 0301 - Variant is absent from gnomAD. (P) 0309 - An alternative amino acid change at the same position has been observed in gnomAD (2 heterozygotes, 0 homozygotes). (N) 0501 - Missense variant consistently predicted to be damaging by multiple in silico tools or highly conserved with a major amino acid change. (P) 0601 - Variant affects at least one well-established (essential) functional domain or motif (glycine residue of the Gly-X-Y motif in triple helical region; PDB). (P) 0705 - No comparable variants have previous evidence for pathogenicity. (N) 0803 - Low previous evidence of pathogenicity in unrelated individuals. This variant has been reported in 2 unrelated patients with microhematuria and proteinuria, or focal segmental glomerulosclerosis (PMIDs: 15086897, 30647093). (P) 0902 - Moderate evidence for segregation with disease. The variant has been reported in 5 affected individuals from 1 family (PMID:15086897). (P) 1007 - No published functional evidence has been identified for this variant. (N) 1208 - Inheritance information for this variant is not currently available. (N) Legend: (P) - Pathogenic, (N) - Neutral, (B) - Benign

Literature cited by the submitters: PubMed 15086897; PubMed 30647093.